The following is an entry in ClinVar:

ClinVar aggregate classification (germline): Uncertain significance (1 of 4 stars; one submission).

Allele frequency attached by ClinVar (database versions not stated): gnomAD 0.00005; gnomAD exomes 0.00018.

Submission:

CeGaT Center for Human Genetics Tuebingen
Classification: Uncertain significance. Last evaluated: 2022-11-01. Review status: criteria provided, single submitter. Criteria: CeGaT Center For Human Genetics Tuebingen Variant Classification Criteria Version 2. Collection method: clinical testing. Allele origin: germline. Affected: yes. Observed: 1 variant allele.
Comment: SHANK3: PP2

NM_001372044.2(SHANK3):c.8T>C (p.Leu3Pro)

Gene: SHANK3 (SH3 and multiple ankyrin repeat domains 3; plus strand). Cytogenetic location: 22q13.33.
Variant type: single nucleotide variant.
Coding change: c.8T>C on transcript NM_001372044.2 (MANE Select); coding-DNA position 8, T replaced by C.
Protein change: p.Leu3Pro; replaces leucine 3 with proline.
Molecular consequence: missense variant.
Genome position (GRCh38, 1-based): chr22:50,674,422, T>C. VCF-style: chr22-50674422-T-C. GRCh37 (hg19) VCF-style: chr22-51112850-T-C.
Other names: short protein forms L3P.
Identifiers: ClinVar variation 2653407 (VCV002653407.24), dbSNP rs1359731523, ClinGen allele CA754118103.